The following is an entry in ClinVar:

ClinVar aggregate classification (germline): Likely benign (1 of 4 stars; one submission).

Submission:

CeGaT Center for Human Genetics Tuebingen
Classification: Likely benign. Last evaluated: 2026-05-01. Review status: criteria provided, single submitter. Criteria: CeGaT Center For Human Genetics Tuebingen Variant Classification Criteria Version 2. Collection method: clinical testing. Allele origin: germline. Affected: yes. Observed: 1 variant allele.
Comment: TRIP12: PM2:Supporting, BP4, BP7

NM_001348323.3(TRIP12):c.3256A>C (p.Arg1086=)

Gene: TRIP12 (thyroid hormone receptor interactor 12; minus strand). Cytogenetic location: 2q36.3.
Variant type: single nucleotide variant.
Coding change: c.3256A>C on transcript NM_001348323.3 (MANE Select); coding-DNA position 3256, A replaced by C.
Protein change: p.Arg1086=; no amino-acid change (arginine 1086 retained).
Molecular consequence: synonymous variant.
Genome position (GRCh38, 1-based): chr2:229,799,334, T>G on the plus strand (A>C on the coding strand, the complement: TRIP12 is on the minus strand). VCF-style: chr2-229799334-T-G. GRCh37 (hg19) VCF-style: chr2-230664050-T-G.
Other names: c.3175A>C, p.Arg1059= (NM_001284214.2, NM_001348315.2); c.3130A>C, p.Arg1044= (NM_001284215.2, NM_001348316.2, NM_001348317.1 and 1 more transcripts); c.2221A>C, p.Arg741= (NM_001284216.2); c.3256A>C, p.Arg1086= (NM_001348319.1, NM_001348320.2, NM_001348322.1 and 4 more transcripts); c.3259A>C, p.Arg1087= (NM_001348321.1, NM_001348328.1, NM_001348329.2 and 1 more transcripts); c.3049A>C, p.Arg1017= (NM_001348331.1); c.3169A>C, p.Arg1057= (NM_001348332.1); c.3178A>C, p.Arg1060= (NM_001348333.1); and 1 more.
Identifiers: ClinVar variation 4874829 (VCV004874829.2).